The following is an entry in ClinVar:

NM_000284.4(PDHA1):c.778C>G (p.Leu260Val)

Gene: PDHA1 (pyruvate dehydrogenase E1 subunit alpha 1; plus strand). Cytogenetic location: Xp22.12.
Variant type: single nucleotide variant.
Coding change: c.778C>G on transcript NM_000284.4 (MANE Select); coding-DNA position 778, C replaced by G.
Protein change: p.Leu260Val; replaces leucine 260 with valine.
Molecular consequence: missense variant.
Genome position (GRCh38, 1-based): chrX:19,355,704, C>G. VCF-style: chrX-19355704-C-G. GRCh37 (hg19) VCF-style: chrX-19373822-C-G.
Other names: c.892C>G, p.Leu298Val (NM_001173454.2); c.799C>G, p.Leu267Val (NM_001173455.2); c.685C>G, p.Leu229Val (NM_001173456.2); short protein forms L229V, L260V, L267V, L298V.
Identifiers: ClinVar variation 4070369 (VCV004070369.1).

ClinVar aggregate classification (germline): Pathogenic (0 of 4 stars; one submission).

Conditions:
Pyruvate dehydrogenase E1-alpha deficiency (PDHAD). Also called: ATAXIA, INTERMITTENT, WITH PYRUVATE DEHYDROGENASE DEFICIENCY; ATAXIA WITH LACTIC ACIDOSIS I; ATAXIA, INTERMITTENT, WITH ABNORMAL PYRUVATE METABOLISM; Ataxia, intermittent, with pyruvate dehydrogenase, or decarboxylase, deficiency. Identifiers: Orphanet 79243, MedGen C1839413, MONDO:0010717, OMIM 312170.

Submission:

PDHA1 Study Group, University Children’s Hospital, Paracelsus Medical University
Classification: Pathogenic for Pyruvate dehydrogenase E1-alpha deficiency. Last evaluated: 2024-10-15. Review status: no assertion criteria provided. Collection method: research. Allele origin: germline. Affected: yes. Observed: 1 variant allele.
Comment: The NM_000284.3:c.778C>G (p.Leu260Val) substitution is a missense variant in PDHA1 gene. Last literature search: July 12, 2024. This variant is absent or extremely rare in population-based cohorts in the Genome Aggregation Database (gnomAD). Individuals harboring this variant presented with clinical features compatible with PDHA1-related PDHc deficiency. In summary, this variant meets criteria to be classified as pathogenic (P) for PDHA1-related PDHc deficiency based on the ACMG/AMP criteria applied: PS3, PM1, PM2, PM7, PP3 (last assessment October 15, 2024).

Literature cited by the submitters: DOI 10.1093/brain/awaf430.